The following is an entry in ClinVar:

ClinVar aggregate classification (germline): Likely pathogenic (1 of 4 stars; one submission).

Conditions:
Primary ciliary dyskinesia 3. Identifiers: Orphanet 244, MedGen C1837618, MONDO:0012085, OMIM 608644.

Submission:

Juno Genomics, Hangzhou Juno Genomics, Inc
Classification: Likely pathogenic for Primary ciliary dyskinesia 3. Review status: criteria provided, single submitter. Criteria: ACMG Guidelines, 2015. Collection method: clinical testing. Allele origin: germline.
Comment: Absent from controls (or at extremely low frequency if recessive) in Genome Aggregation Database.;Null variant in a gene where loss of function (LOF) is a known mechanism of disease.

NM_001369.3(DNAH5):c.4949del (p.Lys1650fs)

Genes: DNAH5 (dynein axonemal heavy chain 5; minus strand), LOC126807318 (MED14-independent group 3 enhancer GRCh37_chr5:13858976-13860175; plus strand). Cytogenetic location: 5p15.2.
Variant type: Deletion.
Coding change: c.4949del on transcript NM_001369.3 (MANE Select); coding-DNA position 4949, one base deleted (A; older notation c.4949delA).
Protein change: p.Lys1650fs; shifts the reading frame from lysine 1650.
Molecular consequence: frameshift variant.
Genome position (GRCh38, 1-based): chr5:13,859,453, T deleted on the plus strand (A on the coding strand, the reverse complement: DNAH5 is on the minus strand); the first of 2 consecutive T bases (chr5:13,859,453-13,859,454); deleting either gives the same sequence. VCF-style (leftmost placement, unchanged base first): chr5-13859452-CT-C. GRCh37 (hg19) VCF-style: chr5-13859561-CT-C.
Other names: short protein forms K1650fs.
Identifiers: ClinVar variation 5019792 (VCV005019792.2).